The following is an entry in ClinVar:

ClinVar aggregate classification (germline): Pathogenic (1 of 4 stars; one submission).

Submission:

Cytogenetics Laboratory, University of Washington
Classification: Pathogenic. Last evaluated: 2015-07-13. Review status: criteria provided, single submitter. Criteria: UW Cytogenetics and Genomics Laboratory Policy on CNV Interpretation (5/6/2015). Collection method: clinical testing. Allele origin: unknown. Affected: yes. Observed: 1 variant allele.

GRCh37/hg19 17p13.3(chr17:48858-920692)x1

Genes: ABR (ABR activator of RhoGEF and GTPase; minus strand), GEMIN4 (gem nuclear organelle associated protein 4; minus strand), GLOD4 (glyoxalase domain containing 4; minus strand), LIAT1 (ligand of ATE1; plus strand), MRM3 (mitochondrial rRNA methyltransferase 3; plus strand) and 6 more. Cytogenetic location: 17p13.3.
Variant type: copy number loss.
Change: copy number 1 (one copy instead of two) of chr17:48,858-920,692 (871.8 kb, GRCh37 coordinates, 1-based), cytogenetic band 17p13.3.
Identifiers: ClinVar variation 219022 (VCV000219022.5).